The following is an entry in ClinVar:

ClinVar aggregate classification (germline): Benign. Review status: criteria provided, multiple submitters, no conflicts (2 of 4 stars). 5 submissions from 5 submitters: Benign (5). Last evaluated 2026-03-27.

Conditions:
SDHD-related disorder. Also called: SDHD-related condition.
Hereditary cancer-predisposing syndrome. Also called: Hereditary Cancer Syndrome; Hereditary neoplastic syndrome; Neoplastic Syndromes, Hereditary; Tumor predisposition. Identifiers: Orphanet 140162, MedGen C0027672, MeSH D009386, MONDO:0015356.

Allele frequency attached by ClinVar (database versions not stated): TOPMed 0.94347; 1000 Genomes Project 0.94549; gnomAD exomes 0.99043 and 0.99409; ExAC 0.99672.

Submissions (5):

PreventionGenetics, part of Exact Sciences
Classification: Benign for SDHD-related condition. Last evaluated: 2026-03-27. Review status: criteria provided, single submitter. Criteria: ACMG Guidelines, 2015. Collection method: clinical testing. Allele origin: germline.
Comment: This variant is classified as benign based on ACMG/AMP sequence variant interpretation guidelines (Richards et al. 2015 PMID: 25741868, with internal and published modifications).

Hereditary Cancer Laboratory, Hospital Universitario 12 de Octubre
Classification: Benign for Hereditary cancer-predisposing syndrome. Last evaluated: 2025-01-08. Review status: criteria provided, single submitter. Criteria: ACMG Guidelines, 2015. Collection method: clinical testing. Allele origin: germline.
Comment: BA1+BP4+BP6

Blueprint Genetics
Classification: Benign. Last evaluated: 2024-11-27. Review status: criteria provided, single submitter. Criteria: ACMG Guidelines, 2015. Collection method: clinical testing. Allele origin: germline.

GeneDx
Classification: Benign. Last evaluated: 2018-06-22. Review status: criteria provided, single submitter. Criteria: GeneDx Variant Classification Process June 2021. Collection method: clinical testing. Allele origin: germline. Affected: yes.

Breakthrough Genomics
Classification: Benign. Review status: criteria provided, single submitter. Criteria: ACMG Guidelines, 2015. Collection method: not provided. Allele origin: germline. Inheritance: Autosomal recessive inheritance. Affected: yes.

NM_003002.4(SDHD):c.315-1669A>G

Gene: SDHD (succinate dehydrogenase complex subunit D; plus strand). Cytogenetic location: 11q23.1.
Variant type: single nucleotide variant.
Coding change: c.315-1669A>G on transcript NM_003002.4 (MANE Select); 1669 bases into the intron before coding-DNA position 315, A replaced by G.
Molecular consequence: intron variant. On other transcripts: missense variant (1).
Genome position (GRCh38, 1-based): chr11:112,093,136, A>G. VCF-style: chr11-112093136-A-G. GRCh37 (hg19) VCF-style: chr11-111963860-A-G.
Other names: c.371A>G, p.Gln124Arg (NM_001276506.2); c.170-1669A>G (NM_001276503.2); c.198-1669A>G (NM_001276504.2); c.371A>G (NM_001276506.1); short protein forms Q124R.
Identifiers: ClinVar variation 1247534 (VCV001247534.6), dbSNP rs592626, ClinGen allele CA071120.